The following is an entry in ClinVar:

ClinVar aggregate classification (germline): Uncertain significance (1 of 4 stars; one submission).

Allele frequency attached by ClinVar (database versions not stated): gnomAD exomes below 0.00001; TOPMed below 0.00001; ExAC 0.00001.
gnomAD v4.1: 3 of 1,614,240 alleles (0.00019%); highest among the groups gnomAD compares: Admixed American, 0.0017%; no homozygotes.

Submission:

Labcorp Genetics (formerly Invitae), Labcorp
Classification: Uncertain significance. Last evaluated: 2023-03-13. Review status: criteria provided, single submitter. Criteria: Invitae Variant Classification Sherloc (09022015). Collection method: clinical testing. Allele origin: germline.
Comment: This sequence change replaces histidine, which is basic and polar, with arginine, which is basic and polar, at codon 41 of the MYLK3 protein (p.His41Arg). In summary, the available evidence is currently insufficient to determine the role of this variant in disease. Therefore, it has been classified as a Variant of Uncertain Significance. An algorithm developed to predict the effect of missense changes on protein structure and function (PolyPhen-2) suggests that this variant is likely to be disruptive. This variant has not been reported in the literature in individuals affected with MYLK3-related conditions. This variant is present in population databases (rs750476708, gnomAD 0.003%).

NM_182493.3(MYLK3):c.122A>G (p.His41Arg)

Gene: MYLK3 (myosin light chain kinase 3; minus strand). Cytogenetic location: 16q11.2.
Variant type: single nucleotide variant.
Coding change: c.122A>G on transcript NM_182493.3 (MANE Select); coding-DNA position 122, A replaced by G.
Protein change: p.His41Arg; replaces histidine 41 with arginine.
Molecular consequence: missense variant. On other transcripts: intron variant (1).
Genome position (GRCh38, 1-based): chr16:46,748,072, T>C on the plus strand (A>G on the coding strand, the complement: MYLK3 is on the minus strand). VCF-style: chr16-46748072-T-C. GRCh37 (hg19) VCF-style: chr16-46781984-T-C.
Other names: c.-113-7925A>G (NM_001308301.1); short protein forms H41R.
Identifiers: ClinVar variation 2801682 (VCV002801682.3), dbSNP rs750476708, ClinGen allele CA8038319.